The following is an entry in ClinVar:

NM_000388.4(CASR):c.1198A>T (p.Asn400Tyr)

Gene: CASR (calcium sensing receptor; plus strand). Cytogenetic location: 3q21.1.
Variant type: single nucleotide variant.
Coding change: c.1198A>T on transcript NM_000388.4 (MANE Select); coding-DNA position 1198, A replaced by T.
Protein change: p.Asn400Tyr; replaces asparagine 400 with tyrosine.
Molecular consequence: missense variant.
Genome position (GRCh38, 1-based): chr3:122,262,233, A>T. VCF-style: chr3-122262233-A-T. GRCh37 (hg19) VCF-style: chr3-121981080-A-T.
Other names: c.1198A>T, p.Asn400Tyr (NM_001178065.2); short protein forms N400Y.
Identifiers: ClinVar variation 2104417 (VCV002104417.4), dbSNP rs1255825937, ClinGen allele CA354152800.

ClinVar aggregate classification (germline): Uncertain significance (1 of 4 stars; one submission).

Conditions:
Autosomal dominant hypocalcemia 1 (HYPOC1). Also called: HYPOCALCEMIA, FAMILIAL. Identifiers: MedGen C3715128, MONDO:0011013, OMIM 601198.
Familial hypocalciuric hypercalcemia (FHH). Also called: Familial benign hypercalcemia. Identifiers: Orphanet 405, MedGen C1809471, MONDO:0018458.

Submission:

Labcorp Genetics (formerly Invitae), Labcorp
Classification: Uncertain significance for Familial hypocalciuric hypercalcemia; Autosomal dominant hypocalcemia 1. Last evaluated: 2022-10-25. Review status: criteria provided, single submitter. Criteria: Invitae Variant Classification Sherloc (09022015). Collection method: clinical testing. Allele origin: germline.
Comment: This sequence change replaces asparagine, which is neutral and polar, with tyrosine, which is neutral and polar, at codon 400 of the CASR protein (p.Asn400Tyr). This variant is not present in population databases (gnomAD no frequency). This variant has not been reported in the literature in individuals affected with CASR-related conditions. Algorithms developed to predict the effect of missense changes on protein structure and function (SIFT, PolyPhen-2, Align-GVGD) all suggest that this variant is likely to be disruptive. In summary, the available evidence is currently insufficient to determine the role of this variant in disease. Therefore, it has been classified as a Variant of Uncertain Significance.